The following is an entry in ClinVar:

NM_016333.4(SRRM2):c.1195C>T (p.Pro399Ser)

Gene: SRRM2 (serine/arginine repetitive matrix 2; plus strand). Cytogenetic location: 16p13.3.
Variant type: single nucleotide variant.
Coding change: c.1195C>T on transcript NM_016333.4 (MANE Select); coding-DNA position 1195, C replaced by T.
Protein change: p.Pro399Ser; replaces proline 399 with serine.
Molecular consequence: missense variant.
Genome position (GRCh38, 1-based): chr16:2,761,723, C>T. VCF-style: chr16-2761723-C-T. GRCh37 (hg19) VCF-style: chr16-2811724-C-T.
Other names: short protein forms P399S.
Identifiers: ClinVar variation 3032062 (VCV003032062.3), dbSNP rs201759902, ClinGen allele CA7847194.
Genomic context (GRCh38, chr16:2,761,723, plus strand): 5'-CAACCCCTTGCAACCACCCCCTTAAGCCAGGAGCCAGTGAACCCCCCATCTGAGGCCTCT[C>T]CAACTCGGGACCGTTCACCACCTAAGTCTCCCGAGAAACTTCCCCAGTCTTCTTCCTCAG-3'
Protein context (NP_057417.3, residues 389-409): EPVNPPSEAS[Pro399Ser]TRDRSPPKSP

ClinVar aggregate classification (germline): Likely benign. Review status: criteria provided, single submitter (1 of 4 stars). 2 submissions from 2 submitters: Likely benign (1). 1 of the submissions does not count toward it. Last evaluated 2026-08-01.

Conditions:
SRRM2-related disorder. Also called: SRRM2-related condition.

Allele frequency attached by ClinVar (database versions not stated): ESP Exome Variant Server 0.00008; TOPMed 0.00008; gnomAD 0.00011; gnomAD exomes 0.00014; ExAC 0.00024.

Submissions (2):

CeGaT Center for Human Genetics Tuebingen
Classification: Likely benign. Last evaluated: 2026-08-01. Review status: criteria provided, single submitter. Criteria: CeGaT Center For Human Genetics Tuebingen Variant Classification Criteria Version 2. Collection method: clinical testing. Allele origin: germline. Affected: yes. Observed: 1 variant allele.
Comment: SRRM2: BP4

PreventionGenetics, part of Exact Sciences
Classification: Likely benign for SRRM2-related condition. Last evaluated: 2022-07-27. Review status: no assertion criteria provided. Collection method: clinical testing. Allele origin: germline. Not counted in ClinVar's aggregate classification.
Comment: This variant is classified as likely benign based on ACMG/AMP sequence variant interpretation guidelines (Richards et al. 2015 PMID: 25741868, with internal and published modifications).